The following is an entry in ClinVar:

NM_000091.5(COL4A3):c.706G>A (p.Gly236Arg)

Genes: COL4A3 (collagen type IV alpha 3 chain; plus strand), MFF-DT (MFF divergent transcript; minus strand). Cytogenetic location: 2q36.3.
Variant type: single nucleotide variant.
Coding change: c.706G>A on transcript NM_000091.5 (MANE Select); coding-DNA position 706, G replaced by A.
Protein change: p.Gly236Arg; replaces glycine 236 with arginine.
Molecular consequence: missense variant.
Genome position (GRCh38, 1-based): chr2:227,253,579, G>A. VCF-style: chr2-227253579-G-A. GRCh37 (hg19) VCF-style: chr2-228118295-G-A.
Other names: short protein forms G236R.
Identifiers: ClinVar variation 931485 (VCV000931485.8), dbSNP rs2069931154, ClinGen allele CA350864921.

ClinVar aggregate classification (germline): Uncertain significance. Review status: criteria provided, multiple submitters, no conflicts (2 of 4 stars). 2 submissions from 2 submitters: Uncertain significance (2). Last evaluated 2022-07-08.

Conditions:
Autosomal dominant Alport syndrome (ATS3A). Also called: ALPORT SYNDROME 3A, AUTOSOMAL DOMINANT; Alport syndrome dominant type; Renal failure and sensorineural hearing loss. Identifiers: Orphanet 63, Orphanet 88918, MedGen C5882663, MONDO:0007086, OMIM 104200.

Submissions (2):

Labcorp Genetics (formerly Invitae), Labcorp
Classification: Uncertain significance. Last evaluated: 2022-07-08. Review status: criteria provided, single submitter. Criteria: Invitae Variant Classification Sherloc (09022015). Collection method: clinical testing. Allele origin: germline.
Comment: This variant is not present in population databases (gnomAD no frequency). This variant has not been reported in the literature in individuals affected with COL4A3-related conditions. ClinVar contains an entry for this variant (Variation ID: 931485). In summary, the available evidence is currently insufficient to determine the role of this variant in disease. Therefore, it has been classified as a Variant of Uncertain Significance. Advanced modeling of protein sequence and biophysical properties (such as structural, functional, and spatial information, amino acid conservation, physicochemical variation, residue mobility, and thermodynamic stability) performed at Invitae indicates that this missense variant is expected to disrupt COL4A3 protein function. This sequence change replaces glycine, which is neutral and non-polar, with arginine, which is basic and polar, at codon 236 of the COL4A3 protein (p.Gly236Arg).

Centre for Mendelian Genomics, University Medical Centre Ljubljana
Classification: Uncertain significance for Autosomal dominant Alport syndrome. Last evaluated: 2016-01-01. Review status: criteria provided, single submitter. Criteria: ACMG Guidelines, 2015. Collection method: clinical testing. Allele origin: unknown. Affected: yes.
Comment: This variant was classified as: Uncertain significance. The following ACMG criteria were applied in classifying this variant: PM1,PM2,PP3.